The following is an entry in ClinVar:

ClinVar aggregate classification (germline): Uncertain significance. Review status: criteria provided, multiple submitters, no conflicts (2 of 4 stars). 4 submissions from 4 submitters: Uncertain significance (4). Last evaluated 2025-06-24.

Conditions:
Inborn genetic diseases. Identifiers: MedGen C0950123, MeSH D030342.
Muscle AMP deaminase deficiency (MMDD). Also called: Myoadenylate deaminase deficiency, myopathy due to; Adenosine monophosphate deaminase 1 deficiency; AMP deaminase 1 deficiency; Adenosine Monophosphate Deaminase 1; AMPD1 DEFICIENCY; ADENOSINE MONOPHOSPHATE DEAMINASE-1 DEFICIENCY, MYOPATHY DUE TO. Identifiers: Orphanet 45, MedGen C3714933, MONDO:0014220, OMIM 615511.

Allele frequency attached by ClinVar (database versions not stated): ESP Exome Variant Server 0.00008; gnomAD 0.00009; TOPMed 0.00011; ExAC 0.00014; gnomAD exomes 0.00017 and 0.00021.
gnomAD v4.1: 330 of 1,614,078 alleles (0.02%); highest among the groups gnomAD compares: Non-Finnish European, 0.025%; no homozygotes.

Submissions (4):

Ambry Genetics
Classification: Uncertain significance for Inborn genetic diseases. Last evaluated: 2025-06-24. Review status: criteria provided, single submitter. Criteria: Ambry Variant Classification Scheme 2023. Collection method: clinical testing. Allele origin: germline.

Labcorp Genetics (formerly Invitae), Labcorp
Classification: Uncertain significance for Muscle AMP deaminase deficiency. Last evaluated: 2024-01-11. Review status: criteria provided, single submitter. Criteria: Invitae Variant Classification Sherloc (09022015). Collection method: clinical testing. Allele origin: germline.
Comment: This sequence change replaces tyrosine, which is neutral and polar, with histidine, which is basic and polar, at codon 738 of the AMPD1 protein (p.Tyr738His). This variant is present in population databases (rs377325321, gnomAD 0.02%). This variant has not been reported in the literature in individuals affected with AMPD1-related conditions. ClinVar contains an entry for this variant (Variation ID: 992300). An algorithm developed to predict the effect of missense changes on protein structure and function (PolyPhen-2) suggests that this variant is likely to be disruptive. In summary, the available evidence is currently insufficient to determine the role of this variant in disease. Therefore, it has been classified as a Variant of Uncertain Significance.

GeneDx
Classification: Uncertain significance. Last evaluated: 2020-08-20. Review status: criteria provided, single submitter. Criteria: GeneDx Variant Classification Process June 2021. Collection method: clinical testing. Allele origin: germline. Affected: yes.
Comment: In silico analysis supports that this missense variant has a deleterious effect on protein structure/function; Has not been previously published as pathogenic or benign to our knowledge

Greenwood Genetic Center Diagnostic Laboratories, Greenwood Genetic Center
Classification: Uncertain significance. Last evaluated: 2020-08-18. Review status: criteria provided, single submitter. Criteria: ACMG Guidelines, 2015. Collection method: clinical testing. Allele origin: germline. Affected: yes.

NM_000036.3(AMPD1):c.2113T>C (p.Tyr705His)

Gene: AMPD1 (adenosine monophosphate deaminase 1; minus strand). Cytogenetic location: 1p13.2.
Variant type: single nucleotide variant.
Coding change: c.2113T>C on transcript NM_000036.3 (MANE Select); coding-DNA position 2113, T replaced by C.
Protein change: p.Tyr705His; replaces tyrosine 705 with histidine.
Molecular consequence: missense variant.
Genome position (GRCh38, 1-based): chr1:114,673,245, A>G on the plus strand (T>C on the coding strand, the complement: AMPD1 is on the minus strand). VCF-style: chr1-114673245-A-G. GRCh37 (hg19) VCF-style: chr1-115215866-A-G.
Other names: c.2101T>C, p.Tyr701His (NM_001172626.2); short protein forms Y705H, Y701H.
Identifiers: ClinVar variation 992300 (VCV000992300.11), dbSNP rs377325321, ClinGen allele CA1019917.
Genomic context (GRCh38, chr1:114,673,245, plus strand): 5'-TGCGGATTTGGGCTACATTTGTCCTCCGGATATCATTTCCAGCAGGGCCTTCCTCAAGGT[A>G]ATTGTCGCCCAGAAACTTTACTTTCTCCTATAAGAGAAAAGGATGGCAGAATGATTGTTG-3'
Protein context (NP_000027.3, residues 695-715): EEKVKFLGDN[Tyr705His]LEEGPAGNDI